The following is an entry in ClinVar:

ClinVar aggregate classification (germline): Likely benign. Review status: criteria provided, multiple submitters, no conflicts (2 of 4 stars). 2 submissions from 2 submitters: Likely benign (2). Last evaluated 2024-10-01.

Conditions:
Inborn genetic diseases. Identifiers: MedGen C0950123, MeSH D030342.

gnomAD v4.1: 67 of 1,614,116 alleles (0.0042%); highest among the groups gnomAD compares: Non-Finnish European, 0.0053%; no homozygotes.

Submissions (2):

CeGaT Center for Human Genetics Tuebingen
Classification: Likely benign. Last evaluated: 2024-10-01. Review status: criteria provided, single submitter. Criteria: CeGaT Center For Human Genetics Tuebingen Variant Classification Criteria Version 2. Collection method: clinical testing. Allele origin: germline. Affected: yes. Observed: 1 variant allele.
Comment: ANK3: BP4

Ambry Genetics
Classification: Likely benign for Inborn genetic diseases. Last evaluated: 2024-05-03. Review status: criteria provided, single submitter. Criteria: Ambry Variant Classification Scheme 2023. Collection method: clinical testing. Allele origin: germline.

NM_020987.5(ANK3):c.11650A>T (p.Thr3884Ser)

Gene: ANK3 (ankyrin 3; minus strand). Cytogenetic location: 10q21.2.
Variant type: single nucleotide variant.
Coding change: c.11650A>T on transcript NM_020987.5 (MANE Select); coding-DNA position 11650, A replaced by T.
Protein change: p.Thr3884Ser; replaces threonine 3884 with serine.
Molecular consequence: missense variant. On other transcripts: intron variant (4).
Genome position (GRCh38, 1-based): chr10:60,069,231, T>A on the plus strand (A>T on the coding strand, the complement: ANK3 is on the minus strand). VCF-style: chr10-60069231-T-A. GRCh37 (hg19) VCF-style: chr10-61828989-T-A.
Other names: c.4388-1222A>T (NM_001204403.2); c.4409-1222A>T (NM_001204404.2); c.4406-1222A>T (NM_001320874.2); c.1808-1222A>T (NM_001149.4); short protein forms T3884S.
Identifiers: ClinVar variation 3295400 (VCV003295400.15).